The following is an entry in ClinVar:

ClinVar aggregate classification (germline): Uncertain significance (1 of 4 stars; one submission).

Submission:

Ambry Genetics
Classification: Uncertain significance. Last evaluated: 2024-11-20. Review status: criteria provided, single submitter. Criteria: Ambry Variant Classification Scheme 2023. Collection method: clinical testing. Allele origin: germline.
Comment: The p.K202N variant (also known as c.606A>C), located in coding exon 6 of the RAD51B gene, results from an A to C substitution at nucleotide position 606. The lysine at codon 202 is replaced by asparagine, an amino acid with similar properties. This amino acid position is conserved. In addition, this alteration is predicted to be tolerated by in silico analysis. Based on the available evidence, the clinical significance of this variant remains unclear.

NM_133510.4(RAD51B):c.606A>C (p.Lys202Asn)

Gene: RAD51B (RAD51 paralog B; plus strand). Cytogenetic location: 14q24.1.
Variant type: single nucleotide variant.
Coding change: c.606A>C on transcript NM_133510.4 (MANE Select); coding-DNA position 606, A replaced by C.
Protein change: p.Lys202Asn; replaces lysine 202 with asparagine.
Molecular consequence: missense variant.
Genome position (GRCh38, 1-based): chr14:67,887,054, A>C. VCF-style: chr14-67887054-A-C. GRCh37 (hg19) VCF-style: chr14-68353771-A-C.
Other names: c.606A>C, p.Lys202Asn (NM_001321809.2, NM_001321810.2, NM_001321812.1 and 6 more transcripts); c.492A>C, p.Lys164Asn (NM_001321815.1); c.249A>C, p.Lys83Asn (NM_001321817.2); short protein forms K164N, K202N, K83N.
Identifiers: ClinVar variation 3429631 (VCV003429631.1).